The following is an entry in ClinVar:

NM_018238.4(AGK):c.297+18A>G

Gene: AGK (acylglycerol kinase; plus strand). Cytogenetic location: 7q34.
Variant type: single nucleotide variant.
Coding change: c.297+18A>G on transcript NM_018238.4 (MANE Select); 18 bases into the intron after coding-DNA position 297, A replaced by G.
Molecular consequence: intron variant.
Genome position (GRCh38, 1-based): chr7:141,601,298, A>G. VCF-style: chr7-141601298-A-G. GRCh37 (hg19) VCF-style: chr7-141301098-A-G.
Other names: c.297+18A>G (NM_001364948.3).
Identifiers: ClinVar variation 377452 (VCV000377452.10), dbSNP rs138364626, ClinGen allele CA4517381.
Genomic context (GRCh38, chr7:141,601,298, plus strand): 5'-CCCGATTTTACATTTATCTGGCATGGATGTGACTATTGTTAAGGTAAGAATGGCTCCTGA[A>G]TGTTTATTTCACCCAAGCAGCTGCCTCTTATAACAACCTCTTCTCTTGGCTTCTTAGCAA-3'

ClinVar aggregate classification (germline): Benign/Likely benign. Review status: criteria provided, multiple submitters, no conflicts (2 of 4 stars). 3 submissions from 3 submitters: Benign (1); Likely benign (2). Last evaluated 2026-02-03.

Conditions:
Sengers syndrome. Also called: MITOCHONDRIAL DNA DEPLETION SYNDROME 10 (CARDIOMYOPATHIC TYPE); Cardiomyopathy and cataract. Identifiers: Orphanet 1369, MedGen C1859317, MONDO:0008922, OMIM 212350.
Cataract 38. Also called: Cataract, autosomal recessive congenital 5; Cataract 38, autosomal recessive. Identifiers: Orphanet 91492, MedGen C3553494, MONDO:0013859, OMIM 614691.

Allele frequency attached by ClinVar (database versions not stated): gnomAD exomes 0.00071 and 0.00153; ExAC 0.00146; gnomAD 0.00220 and 0.00225; ESP Exome Variant Server 0.00254; TOPMed 0.00277; 1000 Genomes Project 0.00319; 1000 Genomes Project 30x 0.00406.

Submissions (3):

Labcorp Genetics (formerly Invitae), Labcorp
Classification: Benign for Sengers syndrome; Cataract 38. Last evaluated: 2026-02-03. Review status: criteria provided, single submitter. Criteria: Invitae Variant Classification Sherloc (09022015). Collection method: clinical testing. Allele origin: germline.

Blueprint Genetics
Classification: Likely benign. Last evaluated: 2024-10-25. Review status: criteria provided, single submitter. Criteria: ACMG Guidelines, 2015. Collection method: clinical testing. Allele origin: germline.

GeneDx
Classification: Likely benign. Last evaluated: 2017-05-22. Review status: criteria provided, single submitter. Criteria: GeneDx Variant Classification (06012015). Collection method: clinical testing. Allele origin: germline. Affected: yes.
Comment: This variant is considered likely benign or benign based on one or more of the following criteria: it is a conservative change, it occurs at a poorly conserved position in the protein, it is predicted to be benign by multiple in silico algorithms, and/or has population frequency not consistent with disease.